The following is an entry in ClinVar:

ClinVar aggregate classification (germline): Uncertain significance (1 of 4 stars; one submission).

Conditions:
Cardiovascular phenotype. Identifiers: MedGen CN230736.

Submission:

Ambry Genetics
Classification: Uncertain significance for Cardiovascular phenotype. Last evaluated: 2026-02-28. Review status: criteria provided, single submitter. Criteria: Ambry Variant Classification Scheme 2023. Collection method: clinical testing. Allele origin: germline.
Comment: The p.S486T variant (also known as c.1456T>A), located in coding exon 10 of the CBL gene, results from a T to A substitution at nucleotide position 1456. The serine at codon 486 is replaced by threonine, an amino acid with similar properties. This amino acid position is conserved. In addition, the in silico prediction for this alteration is inconclusive. Based on the available evidence, the clinical significance of this variant remains unclear.

NM_005188.4(CBL):c.1456T>A (p.Ser486Thr)

Gene: CBL (Cbl proto-oncogene; plus strand). Cytogenetic location: 11q23.3.
Variant type: single nucleotide variant.
Coding change: c.1456T>A on transcript NM_005188.4 (MANE Select); coding-DNA position 1456, T replaced by A.
Protein change: p.Ser486Thr; replaces serine 486 with threonine.
Molecular consequence: missense variant.
Genome position (GRCh38, 1-based): chr11:119,284,993, T>A. VCF-style: chr11-119284993-T-A. GRCh37 (hg19) VCF-style: chr11-119155703-T-A.
Other names: short protein forms S486T.
Identifiers: ClinVar variation 4827363 (VCV004827363.1).
Genomic context (GRCh38, chr11:119,284,993, plus strand): 5'-ACGAAAGTAATCTGTTAAATTTTTTATGTACCCTAGGTGGAACGGCCGCCTTCTCCATTC[T>A]CCATGGCCCCACAAGCTTCCCTTCCCCCGGTGCCACCACGACTTGACCTTCTGCCGCAGC-3'
Protein context (NP_005179.2, residues 476-496): AKVERPPSPF[Ser486Thr]MAPQASLPPV